The following is an entry in ClinVar:

ClinVar aggregate classification (germline): Uncertain significance (1 of 4 stars; one submission).

Allele frequency attached by ClinVar (database versions not stated): gnomAD 0.00001; TOPMed 0.00001.
gnomAD v4.1: 15 of 1,613,880 alleles (0.00093%); highest among the groups gnomAD compares: East Asian, 0.0045%; no homozygotes.

Submission:

Labcorp Genetics (formerly Invitae), Labcorp
Classification: Uncertain significance. Last evaluated: 2023-10-16. Review status: criteria provided, single submitter. Criteria: Invitae Variant Classification Sherloc (09022015). Collection method: clinical testing. Allele origin: germline.
Comment: This sequence change replaces serine, which is neutral and polar, with leucine, which is neutral and non-polar, at codon 94 of the NDST1 protein (p.Ser94Leu). This variant is not present in population databases (gnomAD no frequency). This variant has not been reported in the literature in individuals affected with NDST1-related conditions. Advanced modeling of protein sequence and biophysical properties (such as structural, functional, and spatial information, amino acid conservation, physicochemical variation, residue mobility, and thermodynamic stability) performed at Invitae indicates that this missense variant is expected to disrupt NDST1 protein function with a positive predictive value of 80%. In summary, the available evidence is currently insufficient to determine the role of this variant in disease. Therefore, it has been classified as a Variant of Uncertain Significance.

NM_001543.5(NDST1):c.281C>T (p.Ser94Leu)

Gene: NDST1 (N-deacetylase and N-sulfotransferase 1; plus strand). Cytogenetic location: 5q33.1.
Variant type: single nucleotide variant.
Coding change: c.281C>T on transcript NM_001543.5 (MANE Select); coding-DNA position 281, C replaced by T.
Protein change: p.Ser94Leu; replaces serine 94 with leucine.
Molecular consequence: missense variant.
Genome position (GRCh38, 1-based): chr5:150,521,535, C>T. VCF-style: chr5-150521535-C-T. GRCh37 (hg19) VCF-style: chr5-149901097-C-T.
Other names: c.281C>T, p.Ser94Leu (NM_001301063.2); short protein forms S94L.
Identifiers: ClinVar variation 2892075 (VCV002892075.3), dbSNP rs1302936367, ClinGen allele CA361761066.
Genomic context (GRCh38, chr5:150,521,535, plus strand): 5'-AGGCAGCCACCCCTTCCCGCACAGACCCGTTGGTGCTGGTCTTTGTGGAGAGCCTCTACT[C>T]GCAACTGGGCCAGGAGGTGGTGGCCATCCTGGAGTCCAGCCGCTTCAAATACCGCACAGA-3'
Protein context (NP_001534.1, residues 84-104): LVLVFVESLY[Ser94Leu]QLGQEVVAIL